The following is an entry in ClinVar:

ClinVar aggregate classification (germline): Uncertain significance. Review status: criteria provided, multiple submitters, no conflicts (2 of 4 stars). 3 submissions from 3 submitters: Uncertain significance (2). 1 of the submissions does not count toward it. Last evaluated 2025-11-26.

Conditions:
Retinitis pigmentosa 28 (RP28). Identifiers: Orphanet 791, MedGen C1419614, MONDO:0011630, OMIM 606068.
Inborn genetic diseases. Identifiers: MedGen C0950123, MeSH D030342.

Allele frequency attached by ClinVar (database versions not stated): gnomAD exomes 0.00002; gnomAD 0.00001 and 0.00002; TOPMed 0.00001; ExAC 0.00002.
gnomAD v4.1: 23 of 1,614,248 alleles (0.0014%); highest among the groups gnomAD compares: Admixed American, 0.0033%; no homozygotes.

Submissions (3):

Ambry Genetics
Classification: Uncertain significance for Inborn genetic diseases. Last evaluated: 2025-11-26. Review status: criteria provided, single submitter. Criteria: Ambry Variant Classification Scheme 2023. Collection method: clinical testing. Allele origin: germline.

Labcorp Genetics (formerly Invitae), Labcorp
Classification: Uncertain significance. Last evaluated: 2022-07-05. Review status: criteria provided, single submitter. Criteria: Invitae Variant Classification Sherloc (09022015). Collection method: clinical testing. Allele origin: germline.
Comment: This sequence change replaces tyrosine, which is neutral and polar, with cysteine, which is neutral and slightly polar, at codon 379 of the FAM161A protein (p.Tyr379Cys). This variant is present in population databases (rs775782170, gnomAD 0.005%). This variant has not been reported in the literature in individuals affected with FAM161A-related conditions. ClinVar contains an entry for this variant (Variation ID: 936885). Algorithms developed to predict the effect of missense changes on protein structure and function output the following: SIFT: "Deleterious"; PolyPhen-2: "Benign"; Align-GVGD: "Class C15". The cysteine amino acid residue is found in multiple mammalian species, which suggests that this missense change does not adversely affect protein function. In summary, the available evidence is currently insufficient to determine the role of this variant in disease. Therefore, it has been classified as a Variant of Uncertain Significance.

Natera, Inc.
Classification: Uncertain significance for Retinitis pigmentosa type 28. Last evaluated: 2021-05-27. Review status: no assertion criteria provided. Collection method: clinical testing. Allele origin: germline. Not counted in ClinVar's aggregate classification.

NM_001201543.2(FAM161A):c.1136A>G (p.Tyr379Cys)

Gene: FAM161A (FAM161 centrosomal protein A; minus strand). Cytogenetic location: 2p15.
Variant type: single nucleotide variant.
Coding change: c.1136A>G on transcript NM_001201543.2 (MANE Select); coding-DNA position 1136, A replaced by G.
Protein change: p.Tyr379Cys; replaces tyrosine 379 with cysteine.
Molecular consequence: missense variant. On other transcripts: non-coding transcript variant (1).
Genome position (GRCh38, 1-based): chr2:61,839,868, T>C on the plus strand (A>G on the coding strand, the complement: FAM161A is on the minus strand). VCF-style: chr2-61839868-T-C. GRCh37 (hg19) VCF-style: chr2-62067003-T-C.
Other names: c.1136A>G, p.Tyr379Cys (NM_032180.3); short protein forms Y379C.
Identifiers: ClinVar variation 936885 (VCV000936885.6), dbSNP rs775782170, ClinGen allele CA1679206.